The following is an entry in ClinVar:

ClinVar aggregate classification (germline): Pathogenic/Likely pathogenic. Review status: criteria provided, multiple submitters, no conflicts (2 of 4 stars). 2 submissions from 2 submitters: Pathogenic (1); Likely pathogenic (1). Last evaluated 2025-11-24.

Conditions:
Mitochondrial disease. Also called: Mitochondrial disorders; Mitochondrial disorder. Identifiers: Orphanet 68380, MedGen C0751651, MeSH D028361, MONDO:0044970.
Mitochondrial DNA depletion syndrome, myopathic form (MTDPS2). Also called: MITOCHONDRIAL DNA DEPLETION MYOPATHY, TK2-RELATED; TK2-Related Mitochondrial DNA Maintenance Defect, Myopathic Form; MITOCHONDRIAL DNA DEPLETION SYNDROME 2 (MYOPATHIC TYPE). Identifiers: Orphanet 254875, MedGen C3149750, MONDO:0012301, OMIM 609560.
Progressive external ophthalmoplegia with mitochondrial DNA deletions, autosomal recessive 3 (PEOB3). Also called: PROGRESSIVE EXTERNAL OPHTHALMOPLEGIA, AUTOSOMAL RECESSIVE 3. Identifiers: Orphanet 254886, MedGen C4310734, MONDO:0014898, OMIM 617069.

Submissions (2):

Genomenon, Inc
Classification: Pathogenic for Mitochondrial disease. Last evaluated: 2025-11-24. Review status: criteria provided, single submitter. Criteria: Genomenon Sequence Variant Interpretation Standards - Updated. Collection method: curation. Allele origin: germline. Affected: yes.
Comment: TK2 p.Leu182PhefsTer12 (c.544del) is a frameshift variant that results in the production of a truncated protein which is predicted to undergo nonsense-mediated mRNA decay. This variant has been observed in a proband affected with mitochondrial disease in the compound heterozygous state (35280287). This variant is not present at a significant frequency in gnomAD. In conclusion, we classify TK2 p.Leu182PhefsTer12 (c.544del) as a pathogenic variant.

Fulgent Genetics
Classification: Likely pathogenic for Mitochondrial DNA depletion syndrome, myopathic form; Progressive external ophthalmoplegia with mitochondrial DNA deletions, autosomal recessive 3. Last evaluated: 2024-03-12. Review status: criteria provided, single submitter. Criteria: ACMG Guidelines, 2015. Collection method: clinical testing. Allele origin: germline.

Literature cited by the submitters: PubMed 35280287 (cited by Genomenon, Inc).

NM_004614.5(TK2):c.544del (p.Leu182fs)

Gene: TK2 (thymidine kinase 2; minus strand). Cytogenetic location: 16q21.
Variant type: Deletion.
Coding change: c.544del on transcript NM_004614.5 (MANE Select); coding-DNA position 544, one base deleted (C; older notation c.544delC).
Protein change: p.Leu182fs; shifts the reading frame from leucine 182.
Molecular consequence: frameshift variant. On other transcripts: non-coding transcript variant (1), intron variant (1).
Genome position (GRCh38, 1-based): chr16:66,517,210, G deleted on the plus strand (C on the coding strand, the reverse complement: TK2 is on the minus strand); the first of 2 consecutive G bases (chr16:66,517,210-66,517,211); deleting either gives the same sequence. VCF-style (leftmost placement, unchanged base first): chr16-66517209-AG-A. GRCh37 (hg19) VCF-style: chr16-66551112-AG-A.
Other names: c.451del, p.Leu151fs (NM_001172643.1); c.469del, p.Leu157fs (NM_001172644.2); c.490del, p.Leu164fs (NM_001172645.2); c.397del, p.Leu133fs (NM_001271934.2); c.253del, p.Leu85fs (NM_001272050.2); c.357-3399del (NM_001271935.1); c.544del (NM_004614.4); short protein forms L157fs, L133fs, L85fs, L151fs, L164fs, L182fs.
Identifiers: ClinVar variation 3581130 (VCV003581130.3).